The following is an entry in ClinVar:

NM_019594.4(LRRC8A):c.2353G>A (p.Val785Met)

Gene: LRRC8A (leucine rich repeat containing 8 VRAC subunit A; plus strand). Cytogenetic location: 9q34.11.
Variant type: single nucleotide variant.
Coding change: c.2353G>A on transcript NM_019594.4 (MANE Select); coding-DNA position 2353, G replaced by A.
Protein change: p.Val785Met; replaces valine 785 with methionine.
Molecular consequence: missense variant.
Genome position (GRCh38, 1-based): chr9:128,916,291, G>A. VCF-style: chr9-128916291-G-A. GRCh37 (hg19) VCF-style: chr9-131678570-G-A.
Other names: c.2353G>A, p.Val785Met (NM_001127244.2, NM_001127245.2); short protein forms V785M.
Identifiers: ClinVar variation 4809937 (VCV004809937.1).

ClinVar aggregate classification (germline): Uncertain significance (1 of 4 stars; one submission).

gnomAD v4.1: 3 of 1,613,490 alleles (0.00019%); highest among the groups gnomAD compares: Non-Finnish European, 0.00025%; no homozygotes.

Submission:

Labcorp Genetics (formerly Invitae), Labcorp
Classification: Uncertain significance. Last evaluated: 2026-01-25. Review status: criteria provided, single submitter. Criteria: Invitae Variant Classification Sherloc (09022015). Collection method: clinical testing. Allele origin: germline.
Comment: This sequence change replaces valine, which is neutral and non-polar, with methionine, which is neutral and non-polar, at codon 785 of the LRRC8A protein (p.Val785Met). This variant is present in population databases (rs763795899, gnomAD 0.002%). This variant has not been reported in the literature in individuals affected with LRRC8A-related conditions. An algorithm developed to predict the effect of missense changes on protein structure and function (PolyPhen-2) suggests that this variant is likely to be tolerated. In summary, the available evidence is currently insufficient to determine the role of this variant in disease. Therefore, it has been classified as a Variant of Uncertain Significance.